The following is an entry in ClinVar:

NM_003466.4(PAX8):c.*2276G>A

Gene: PAX8 (paired box 8; minus strand). Cytogenetic location: 2q14.1.
Variant type: single nucleotide variant.
Coding change: c.*2276G>A on transcript NM_003466.4 (MANE Select); 2276 bases downstream of the stop codon, G replaced by A.
Molecular consequence: 3 prime UTR variant.
Genome position (GRCh38, 1-based): chr2:113,216,257, C>T on the plus strand (G>A on the coding strand, the complement: PAX8 is on the minus strand). VCF-style: chr2-113216257-C-T. GRCh37 (hg19) VCF-style: chr2-113973834-C-T.
Other names: c.*2353G>A (NM_013952.4, NM_013953.4, NM_013992.4).
Identifiers: ClinVar variation 894354 (VCV000894354.28), dbSNP rs189067014, ClinGen allele CA53711357.

ClinVar aggregate classification (germline): Conflicting classifications of pathogenicity. Review status: criteria provided, conflicting classifications (1 of 4 stars). 2 submissions from 2 submitters: Uncertain significance (1); Benign (1). Last evaluated 2022-07-01.

Conditions:
Hypothyroidism, congenital, nongoitrous, 2 (CHNG2). Also called: Hypothyroidism, congenital, due to thyroid dysgenesis or hypoplasia. Identifiers: Orphanet 95712, MedGen C1869118, MONDO:0024264, OMIM 218700.

Allele frequency attached by ClinVar (database versions not stated): 1000 Genomes Project 30x 0.00094; 1000 Genomes Project 0.00100; TOPMed 0.00122; gnomAD 0.00135 and 0.00141; gnomAD exomes 0.00196.
gnomAD v4.1: 369 of 231,208 alleles (0.16%); highest among the groups gnomAD compares: East Asian, 0.5%; no homozygotes.

Submissions (2):

CeGaT Center for Human Genetics Tuebingen
Classification: Benign. Last evaluated: 2022-07-01. Review status: criteria provided, single submitter. Criteria: CeGaT Center For Human Genetics Tuebingen Variant Classification Criteria Version 2. Collection method: clinical testing. Allele origin: germline. Affected: yes. Observed: 1 variant allele.
Comment: PAX8: BS1, BS2

Illumina Laboratory Services, Illumina
Classification: Uncertain significance for Hypothyroidism, congenital, nongoitrous, 2. Last evaluated: 2018-01-13. Review status: criteria provided, single submitter. Criteria: ICSL Variant Classification Criteria 13 December 2019. Collection method: clinical testing. Allele origin: germline.